The following is an entry in ClinVar:

NM_000018.4(ACADVL):c.1043_1065dup (p.Ile356delinsTrpGlnValProTer)

Gene: ACADVL (acyl-CoA dehydrogenase very long chain; plus strand). Cytogenetic location: 17p13.1.
Variant type: Duplication.
Coding change: c.1043_1065dup on transcript NM_000018.4 (MANE Select); coding-DNA positions 1043 to 1065, 23 bases duplicated (TGGCAGGTACCATGAGAGGCATC).
Protein change: p.Ile356delinsTrpGlnValProTer.
Molecular consequence: nonsense.
Genome position (GRCh38, 1-based): chr17:7,222,831-7,222,853, TGGCAGGTACCATGAGAGGCATC duplicated; duplicating any 23 consecutive bases within chr17:7,222,830-7,222,853 gives the same sequence; the c. name uses the placement nearest the transcript's 3' end. VCF-style (leftmost placement, unchanged base first): chr17-7222829-C-CCTGGCAGGTACCATGAGAGGCAT. GRCh37 (hg19) VCF-style: chr17-7126148-C-CCTGGCAGGTACCATGAGAGGCAT.
Other names: c.977_999dup, p.Ile334delinsTrpGlnValProTer (NM_001033859.3); c.1112_1134dup, p.Ile379delinsTrpGlnValProTer (NM_001270447.2); c.815_837dup, p.Ile280delinsTrpGlnValProTer (NM_001270448.2); c.1043_1065dupTGGCAGGTACCATGAGAGGCATC (NM_000018.3).
Identifiers: ClinVar variation 552450 (VCV000552450.9), dbSNP rs1555528508, ClinGen allele CA658824840.

ClinVar aggregate classification (germline): Pathogenic/Likely pathogenic. Review status: criteria provided, multiple submitters, no conflicts (2 of 4 stars). 4 submissions from 4 submitters: Pathogenic (2); Likely pathogenic (1). 1 of the submissions does not count toward it. Last evaluated 2025-03-07.

Conditions:
Very long chain acyl-CoA dehydrogenase deficiency (ACADVLD). Also called: VLCAD Deficiency; Very Long-Chain Acyl-Coenzyme A Dehydrogenase Deficiency. Identifiers: Orphanet 26793, MedGen C3887523, MONDO:0008723, OMIM 201475.

Submissions (4):

Natera, Inc.
Classification: Likely pathogenic for Very long chain acyl-CoA dehydrogenase deficiency. Last evaluated: 2025-03-07. Review status: criteria provided, single submitter. Criteria: Natera Variant Classification Schema (03/2026). Collection method: clinical testing. Allele origin: germline.
Comment: The c.1043_1065dupTGGCAGGTACCATGAGAGGCATC variant in ACADVL is a frameshift variant predicted to shift the reading frame beginning at codon 356 and leads to a stop codon 5 codons downstream. This variant is expected to result in nonsense mediated decay, truncation, or a dysfunctional protein product. This variant is rare in the general population with a frequency below the threshold expected for the associated phenotype(s). Given the available evidence, this variant is classified as Likely Pathogenic.

Labcorp Genetics (formerly Invitae), Labcorp
Classification: Pathogenic for Very long chain acyl-CoA dehydrogenase deficiency. Last evaluated: 2023-12-26. Review status: criteria provided, single submitter. Criteria: Invitae Variant Classification Sherloc (09022015). Collection method: clinical testing. Allele origin: germline.
Comment: This sequence change creates a premature translational stop signal (p.Ile356Trpfs*5) in the ACADVL gene. It is expected to result in an absent or disrupted protein product. Loss-of-function variants in ACADVL are known to be pathogenic (PMID: 9973285, 11590124). This variant is not present in population databases (gnomAD no frequency). This variant has not been reported in the literature in individuals affected with ACADVL-related conditions. ClinVar contains an entry for this variant (Variation ID: 552450). For these reasons, this variant has been classified as Pathogenic.

Kariminejad - Najmabadi Pathology & Genetics Center
Classification: Pathogenic for Very long chain acyl-CoA dehydrogenase deficiency. Review status: criteria provided, single submitter. Criteria: ACMG Guidelines, 2015. Collection method: clinical testing. Allele origin: germline. Affected: no.

Counsyl
Classification: Likely pathogenic for Very long chain acyl-CoA dehydrogenase deficiency. Last evaluated: 2017-06-09. Review status: no assertion criteria provided. Collection method: clinical testing. Allele origin: unknown. Not counted in ClinVar's aggregate classification.

Literature cited by the submitters: PubMed 9973285 (cited by Labcorp Genetics (formerly Invitae), Labcorp); PubMed 11590124 (cited by Labcorp Genetics (formerly Invitae), Labcorp).